The following is an entry in ClinVar:

ClinVar aggregate classification (germline): Pathogenic. Review status: reviewed by expert panel (3 of 4 stars). 3 submissions from 3 submitters: Pathogenic (1). 2 of the submissions do not count toward it. Last evaluated 2016-10-18.

Conditions:
Hereditary breast ovarian cancer syndrome. Also called: Hereditary breast and ovarian cancer syndrome (HBOC); Breast and ovarian cancer; Hereditary breast and ovarian cancer syndrome; Hereditary breast and ovarian cancer; BRCA1- and BRCA2-Associated Hereditary Breast and Ovarian Cancer; Hereditary breast and/or ovarian cancer syndrome. Identifiers: Orphanet 145, MedGen C0677776, MeSH D061325, MONDO:0003582. Disease mechanism: loss of function.
Breast-ovarian cancer, familial, susceptibility to, 1 (BROVCA1). Also called: BRCA1 Hereditary Breast and Ovarian Cancer; OVARIAN CANCER, SUSCEPTIBILITY TO. Identifiers: Orphanet 145, MedGen C2676676, MONDO:0011450, OMIM 604370. Disease mechanism: loss of function.

Submissions (3):

Evidence-based Network for the Interpretation of Germline Mutant Alleles (ENIGMA)
Classification: Pathogenic for Breast-ovarian cancer, familial, susceptibility to, 1. Last evaluated: 2016-10-18. Review status: reviewed by expert panel. Criteria: ENIGMA BRCA1/2 Classification Criteria (2015). Collection method: curation. Allele origin: germline.
Comment: Variant allele predicted to encode a truncated non-functional protein.

Labcorp Genetics (formerly Invitae), Labcorp
Classification: Pathogenic for Hereditary breast ovarian cancer syndrome. Last evaluated: 2021-06-05. Review status: criteria provided, single submitter. Criteria: Invitae Variant Classification Sherloc (09022015). Collection method: clinical testing. Allele origin: germline. Not counted in ClinVar's aggregate classification.
Comment: This sequence change creates a premature translational stop signal (p.Ser873Glnfs*20) in the BRCA1 gene. It is expected to result in an absent or disrupted protein product. Loss-of-function variants in BRCA1 are known to be pathogenic (PMID: 20104584). For these reasons, this variant has been classified as Pathogenic. This variant has not been reported in the literature in individuals with BRCA1-related conditions. ClinVar contains an entry for this variant (Variation ID: 266285). This variant is not present in population databases (ExAC no frequency).

Consortium of Investigators of Modifiers of BRCA1/2 (CIMBA), c/o University of Cambridge
Classification: Pathogenic for Breast-ovarian cancer, familial, susceptibility to, 1. Last evaluated: 2015-10-02. Review status: criteria provided, single submitter. Criteria: CIMBA Mutation Classification guidelines May 2016. Collection method: clinical testing. Allele origin: germline. Not counted in ClinVar's aggregate classification.

Literature cited by the submitters: PubMed 20104584 (cited by Labcorp Genetics (formerly Invitae), Labcorp).

NM_007294.4(BRCA1):c.2617del (p.Ser873fs)

Gene: BRCA1 (BRCA1 DNA repair associated; minus strand). Cytogenetic location: 17q21.31.
Variant type: Deletion.
Coding change: c.2617del on transcript NM_007294.4 (MANE Select); coding-DNA position 2617, one base deleted (T; older notation c.2617delT).
Protein change: p.Ser873fs; shifts the reading frame from serine 873.
Molecular consequence: frameshift variant. On other transcripts: intron variant (137).
Genome position (GRCh38, 1-based): chr17:43,092,914, A deleted on the plus strand (T on the coding strand, the reverse complement: BRCA1 is on the minus strand); the first of 4 consecutive A bases (chr17:43,092,914-43,092,917); deleting any one gives the same sequence. VCF-style (leftmost placement, unchanged base first): chr17-43092913-GA-G. GRCh37 (hg19) VCF-style: chr17-41244930-GA-G.
Other names: 2736delT; c.2494del, p.Ser832fs (NM_001407678.1, NM_001407679.1, NM_001407680.1 and 19 more transcripts); c.2617del, p.Ser873fs (NM_001407684.1, NM_001407854.1, NM_001407858.1 and 30 more transcripts); c.2491del, p.Ser831fs (NM_001407685.1, NM_001407686.1, NM_001407687.1 and 11 more transcripts); c.2476del, p.Ser826fs (NM_001407692.1, NM_001407694.1, NM_001407695.1 and 29 more transcripts); c.2473del, p.Ser825fs (NM_001407740.1, NM_001407741.1, NM_001407742.1 and 20 more transcripts); c.2404del, p.Ser802fs (NM_001407853.1, NM_001407894.1, NM_001407895.1 and 9 more transcripts); c.2614del, p.Ser872fs (NM_001407860.1, NM_001407861.1, NM_001407587.1 and 22 more transcripts); and 43 more; short protein forms S826fs, S873fs, S832fs, S847fs, S785fs, S805fs, S831fs, S872fs.
Identifiers: ClinVar variation 266285 (VCV000266285.10), dbSNP rs80357912, ClinGen allele CA10589831.
Genomic context (GRCh38, chr17:43,092,913, plus strand): 5'-TTTAAGGACCCAGAGTGGGCAGAGAATGTTGCACATTCCTCTTCTGCATTTCCTGGATTT[GA>G]AAACGGAGCAAATGACTGGCGCTTTGAAACCTTGAATGTATTCTGCAAATACTGAGCATC-3'